The following is an entry in ClinVar:

NM_000059.4(BRCA2):c.1317del (p.Thr441fs)

Gene: BRCA2 (BRCA2 DNA repair associated; plus strand). Cytogenetic location: 13q13.1.
Variant type: Deletion.
Coding change: c.1317del on transcript NM_000059.4 (MANE Select); coding-DNA position 1317, one base deleted (T; older notation c.1317delT).
Protein change: p.Thr441fs; shifts the reading frame from threonine 441.
Molecular consequence: frameshift variant.
Genome position (GRCh38, 1-based): chr13:32,332,795, T deleted; the last of 4 consecutive T bases (chr13:32,332,792-32,332,795); deleting any one gives the same sequence. VCF-style (leftmost placement, unchanged base first): chr13-32332791-AT-A. GRCh37 (hg19) VCF-style: chr13-32906928-AT-A.
Other names: 1545delT; short protein forms T441fs.
Identifiers: ClinVar variation 266627 (VCV000266627.7), dbSNP rs886040359, ClinGen allele CA10589086.
Genomic context (GRCh38, chr13:32,332,791, plus strand): 5'-CATGTGACCAAAATATTTCAGAAAAAGACCTATTAGACACAGAGAACAAAAGAAAGAAAG[AT>A]TTTCTTACTTCAGAGAATTCTTTGCCACGTATTTCTAGCCTACCAAAATCAGAGAAGCCA-3'

ClinVar aggregate classification (germline): Pathogenic. Review status: reviewed by expert panel (3 of 4 stars). 2 submissions from 2 submitters: Pathogenic (1). 1 of the submissions does not count toward it. Last evaluated 2016-10-18.

Conditions:
Breast-ovarian cancer, familial, susceptibility to, 2 (BROVCA2). Also called: BRCA2 Hereditary Breast and Ovarian Cancer. Identifiers: Orphanet 145, MedGen C2675520, MONDO:0012933, OMIM 612555. Disease mechanism: loss of function.

Submissions (2):

Evidence-based Network for the Interpretation of Germline Mutant Alleles (ENIGMA)
Classification: Pathogenic for Breast-ovarian cancer, familial, susceptibility to, 2. Last evaluated: 2016-10-18. Review status: reviewed by expert panel. Criteria: ENIGMA BRCA1/2 Classification Criteria (2015). Collection method: curation. Allele origin: germline.
Comment: Variant allele predicted to encode a truncated non-functional protein.

Consortium of Investigators of Modifiers of BRCA1/2 (CIMBA), c/o University of Cambridge
Classification: Pathogenic for Breast-ovarian cancer, familial, susceptibility to, 2. Last evaluated: 2015-10-02. Review status: criteria provided, single submitter. Criteria: CIMBA Mutation Classification guidelines May 2016. Collection method: clinical testing. Allele origin: germline. Not counted in ClinVar's aggregate classification.